The following is an entry in ClinVar:

NC_000007.14:g.(?_100640680)_(100641515_?)del

Gene: TFR2 (transferrin receptor 2; minus strand). Cytogenetic location: 7q22.1.
Variant type: Deletion.
Identifiers: ClinVar variation 583971 (VCV000583971.2).

ClinVar aggregate classification (germline): Pathogenic (1 of 4 stars; one submission).

Conditions:
Hereditary hemochromatosis (HFE). Identifiers: MedGen C0392514, MONDO:0006507. Disease mechanism: loss of function.

Submission:

Labcorp Genetics (formerly Invitae), Labcorp
Classification: Pathogenic for Hereditary hemochromatosis. Last evaluated: 2018-07-31. Review status: criteria provided, single submitter. Criteria: Invitae Variant Classification Sherloc (09022015). Collection method: clinical testing. Allele origin: germline.
Comment: This variant is a gross deletion of the genomic region encompassing exons 1-3 of the TFR2 gene, which includes the initiator codon. The 5' end of this event is unknown as it extends beyond the assayed region for this gene and therefore may encompass additional genes. The 3' boundary is likely confined to intron 3 of the TFR2 gene. This is expected to result in an absent or disrupted protein product. Deletion of exons 1-3 has not been reported in the literature in individuals with TFR2-related disease. Loss-of-function variants in TFR2 are known to be pathogenic (PMID: 23600741, 26029709). For these reasons, this variant has been classified as Pathogenic.